The following is an entry in ClinVar:

NM_033409.4(SLC52A3):c.525C>G (p.Ser175Arg)

Gene: SLC52A3 (solute carrier family 52 member 3; minus strand). Cytogenetic location: 20p13.
Variant type: single nucleotide variant.
Coding change: c.525C>G on transcript NM_033409.4 (MANE Select); coding-DNA position 525, C replaced by G.
Protein change: p.Ser175Arg; replaces serine 175 with arginine.
Molecular consequence: missense variant.
Genome position (GRCh38, 1-based): chr20:765,250, G>C on the plus strand (C>G on the coding strand, the complement: SLC52A3 is on the minus strand). VCF-style: chr20-765250-G-C. GRCh37 (hg19) VCF-style: chr20-745894-G-C.
Other names: c.525C>G, p.Ser175Arg (NM_001370085.1, NM_001370086.1); short protein forms S175R.
Identifiers: ClinVar variation 476612 (VCV000476612.7), dbSNP rs143641819, ClinGen allele CA407963661.
Genomic context (GRCh38, chr20:765,250, plus strand): 5'-CCGGGTGATGCTGGGTACCTGTGCGATGTCAGTCTCCCTCGTGGGTACAGGGCTTGGTAC[G>C]CTGTCTGATATCTCAGTGACATTGACGCAGGTAGTGAGACCGGAGCCCTGGGCAAGAGCC-3'
Protein context (NP_212134.3, residues 165-185): TCVNVTEISD[Ser175Arg]VPSPVPTRET

ClinVar aggregate classification (germline): Uncertain significance. Review status: criteria provided, multiple submitters, no conflicts (2 of 4 stars). 2 submissions from 2 submitters: Uncertain significance (2). Last evaluated 2021-09-01.

Conditions:
Brown-Vialetto-van Laere syndrome 1. Also called: BROWN-VIALETTO-VAN LAERE SYNDROME 1, MILD; BULBAR PALSY, PROGRESSIVE, WITH SENSORINEURAL DEAFNESS; PONTOBULBAR PALSY WITH DEAFNESS. Identifiers: Orphanet 572550, Orphanet 97229, MedGen C0796274, MONDO:0024537, OMIM 211530.
Inborn genetic diseases. Identifiers: MedGen C0950123, MeSH D030342.

gnomAD v4.1: 11 of 1,614,074 alleles (0.00068%); highest among the groups gnomAD compares: Non-Finnish European, 0.00085%; no homozygotes.

Submissions (2):

Labcorp Genetics (formerly Invitae), Labcorp
Classification: Uncertain significance for Brown-Vialetto-van Laere syndrome 1. Last evaluated: 2021-09-01. Review status: criteria provided, single submitter. Criteria: Invitae Variant Classification Sherloc (09022015). Collection method: clinical testing. Allele origin: germline.
Comment: This sequence change replaces serine with arginine at codon 175 of the SLC52A3 protein (p.Ser175Arg). The serine residue is weakly conserved and there is a moderate physicochemical difference between serine and arginine. This variant is not present in population databases (ExAC no frequency). This variant has not been reported in the literature in individuals affected with SLC52A3-related conditions. Algorithms developed to predict the effect of missense changes on protein structure and function (SIFT, PolyPhen-2, Align-GVGD) all suggest that this variant is likely to be tolerated. In summary, the available evidence is currently insufficient to determine the role of this variant in disease. Therefore, it has been classified as a Variant of Uncertain Significance.

Ambry Genetics
Classification: Uncertain significance for Inborn genetic diseases. Last evaluated: 2020-03-20. Review status: criteria provided, single submitter. Criteria: Ambry Variant Classification Scheme 2023. Collection method: clinical testing. Allele origin: germline.
Comment: The p.S175R variant (also known as c.525C>G), located in coding exon 1 of the SLC52A3 gene, results from a C to G substitution at nucleotide position 525. The serine at codon 175 is replaced by arginine, an amino acid with dissimilar properties. This amino acid position is poorly conserved in available vertebrate species. In addition, this alteration is predicted to be tolerated by in silico analysis. Since supporting evidence is limited at this time, the clinical significance of this alteration remains unclear.